The following is an entry in ClinVar:

NM_000553.6(WRN):c.1957C>G (p.Leu653Val)

Gene: WRN (WRN RecQ like helicase; plus strand). Cytogenetic location: 8p12.
Variant type: single nucleotide variant.
Coding change: c.1957C>G on transcript NM_000553.6 (MANE Select); coding-DNA position 1957, C replaced by G.
Protein change: p.Leu653Val; replaces leucine 653 with valine.
Molecular consequence: missense variant.
Genome position (GRCh38, 1-based): chr8:31,096,826, C>G. VCF-style: chr8-31096826-C-G. GRCh37 (hg19) VCF-style: chr8-30954342-C-G.
Other names: short protein forms L653V.
Identifiers: ClinVar variation 569247 (VCV000569247.8), dbSNP rs373177461, ClinGen allele CA4704572.

ClinVar aggregate classification (germline): Uncertain significance. Review status: criteria provided, multiple submitters, no conflicts (2 of 4 stars). 2 submissions from 2 submitters: Uncertain significance (2). Last evaluated 2023-11-10.

Conditions:
Inborn genetic diseases. Identifiers: MedGen C0950123, MeSH D030342.
Werner syndrome (WRN). Identifiers: Orphanet 902, MedGen C0043119, MONDO:0010196, OMIM 277700.

Allele frequency attached by ClinVar (database versions not stated): ExAC 0.00001; gnomAD exomes 0.00001; TOPMed 0.00001; ESP Exome Variant Server 0.00008.
gnomAD v4.1: 12 of 1,613,038 alleles (0.00074%); highest among the groups gnomAD compares: Non-Finnish European, 0.00076%; no homozygotes.

Submissions (2):

Labcorp Genetics (formerly Invitae), Labcorp
Classification: Uncertain significance for Werner syndrome. Last evaluated: 2023-11-10. Review status: criteria provided, single submitter. Criteria: Invitae Variant Classification Sherloc (09022015). Collection method: clinical testing. Allele origin: germline.
Comment: This sequence change replaces leucine, which is neutral and non-polar, with valine, which is neutral and non-polar, at codon 653 of the WRN protein (p.Leu653Val). This variant is present in population databases (rs373177461, gnomAD 0.003%). This variant has not been reported in the literature in individuals affected with WRN-related conditions. ClinVar contains an entry for this variant (Variation ID: 569247). An algorithm developed to predict the effect of missense changes on protein structure and function (PolyPhen-2) suggests that this variant is likely to be disruptive. In summary, the available evidence is currently insufficient to determine the role of this variant in disease. Therefore, it has been classified as a Variant of Uncertain Significance.

Ambry Genetics
Classification: Uncertain significance for Inborn genetic diseases. Last evaluated: 2022-07-14. Review status: criteria provided, single submitter. Criteria: Ambry Variant Classification Scheme 2023. Collection method: clinical testing. Allele origin: germline.